The following is an entry in ClinVar:

NM_147127.5(EVC2):c.1672G>C (p.Ala558Pro)

Gene: EVC2 (EvC ciliary complex subunit 2; minus strand). Cytogenetic location: 4p16.2.
Variant type: single nucleotide variant.
Coding change: c.1672G>C on transcript NM_147127.5 (MANE Select); coding-DNA position 1672, G replaced by C.
Protein change: p.Ala558Pro; replaces alanine 558 with proline.
Molecular consequence: missense variant.
Genome position (GRCh38, 1-based): chr4:5,631,831, C>G on the plus strand (G>C on the coding strand, the complement: EVC2 is on the minus strand). VCF-style: chr4-5631831-C-G. GRCh37 (hg19) VCF-style: chr4-5633558-C-G.
Other names: c.1432G>C, p.Ala478Pro (NM_001166136.2); short protein forms A478P, A558P.
Identifiers: ClinVar variation 3756915 (VCV003756915.2).

ClinVar aggregate classification (germline): Uncertain significance (1 of 4 stars; one submission).

Conditions:
Curry-Hall syndrome (WAD). Also called: WEYERS ACRODENTAL DYSOSTOSIS. Identifiers: Orphanet 952, MedGen C0457013, MONDO:0008673, OMIM 193530.
Ellis-van Creveld syndrome (EVC). Also called: EVC-Related Ellis-van Creveld Syndrome; EVC2-Related Ellis-van Creveld Syndrome; MESOECTODERMAL DYSPLASIA; Chondroectodermal dysplasia. Identifiers: Orphanet 289, MedGen C0013903, MONDO:0009162, OMIM 225500.

Submission:

Labcorp Genetics (formerly Invitae), Labcorp
Classification: Uncertain significance for Curry-Hall syndrome; Ellis-van Creveld syndrome. Last evaluated: 2024-06-21. Review status: criteria provided, single submitter. Criteria: Invitae Variant Classification Sherloc (09022015). Collection method: clinical testing. Allele origin: germline.
Comment: This sequence change replaces alanine, which is neutral and non-polar, with proline, which is neutral and non-polar, at codon 558 of the EVC2 protein (p.Ala558Pro). This variant is not present in population databases (gnomAD no frequency). This variant has not been reported in the literature in individuals affected with EVC2-related conditions. An algorithm developed to predict the effect of missense changes on protein structure and function (PolyPhen-2) suggests that this variant is likely to be disruptive. In summary, the available evidence is currently insufficient to determine the role of this variant in disease. Therefore, it has been classified as a Variant of Uncertain Significance.